The following is an entry in ClinVar:

NM_001170629.2(CHD8):c.4261G>A (p.Asp1421Asn)

Gene: CHD8 (chromodomain helicase DNA binding protein 8; minus strand). Cytogenetic location: 14q11.2.
Variant type: single nucleotide variant.
Coding change: c.4261G>A on transcript NM_001170629.2 (MANE Select); coding-DNA position 4261, G replaced by A.
Protein change: p.Asp1421Asn; replaces aspartic acid 1421 with asparagine.
Molecular consequence: missense variant.
Genome position (GRCh38, 1-based): chr14:21,400,984, C>T on the plus strand (G>A on the coding strand, the complement: CHD8 is on the minus strand). VCF-style: chr14-21400984-C-T. GRCh37 (hg19) VCF-style: chr14-21869143-C-T.
Other names: c.3424G>A, p.Asp1142Asn (NM_020920.4); short protein forms D1142N, D1421N.
Identifiers: ClinVar variation 3731056 (VCV003731056.1).

ClinVar aggregate classification (germline): Uncertain significance (1 of 4 stars; one submission).

Submission:

GeneDx
Classification: Uncertain significance. Last evaluated: 2024-08-12. Review status: criteria provided, single submitter. Criteria: GeneDx Variant Classification Process June 2021. Collection method: clinical testing. Allele origin: germline. Affected: yes.
Comment: Not observed at significant frequency in large population cohorts (gnomAD); In silico analysis supports that this missense variant has a deleterious effect on protein structure/function; Has not been previously published as pathogenic or benign to our knowledge